The following is an entry in ClinVar:

ClinVar aggregate classification (germline): Uncertain significance (1 of 4 stars; one submission).

Conditions:
Type 2 diabetes mellitus. Also called: Type II diabetes mellitus. Identifiers: MedGen C0011860, MeSH D003924, MONDO:0005148, OMIM 125853, HP:0005978.
Hypoinsulinemic hypoglycemia and body hemihypertrophy. Also called: Hypoinsulinemic hypoglycemia and hemihypertrophy. Identifiers: Orphanet 293964, MedGen C3278384, MONDO:0009416, OMIM 240900.

Allele frequency attached by ClinVar (database versions not stated): gnomAD 0.00001; TOPMed 0.00001; gnomAD exomes 0.00003; ExAC 0.00005; ESP Exome Variant Server 0.00008.
gnomAD v4.1: 48 of 1,612,106 alleles (0.003%); highest among the groups gnomAD compares: Middle Eastern, 0.016%; no homozygotes.

Submission:

Labcorp Genetics (formerly Invitae), Labcorp
Classification: Uncertain significance for Hypoinsulinemic hypoglycemia and body hemihypertrophy; Type 2 diabetes mellitus. Last evaluated: 2023-09-17. Review status: criteria provided, single submitter. Criteria: Invitae Variant Classification Sherloc (09022015). Collection method: clinical testing. Allele origin: germline.
Comment: This sequence change replaces glutamic acid, which is acidic and polar, with lysine, which is basic and polar, at codon 95 of the AKT2 protein (p.Glu95Lys). This variant is present in population databases (rs374073998, gnomAD 0.006%). This variant has not been reported in the literature in individuals affected with AKT2-related conditions. An algorithm developed to predict the effect of missense changes on protein structure and function (PolyPhen-2) suggests that this variant is likely to be disruptive. In summary, the available evidence is currently insufficient to determine the role of this variant in disease. Therefore, it has been classified as a Variant of Uncertain Significance.

NM_001626.6(AKT2):c.283G>A (p.Glu95Lys)

Gene: AKT2 (AKT serine/threonine kinase 2; minus strand). Cytogenetic location: 19q13.2.
Variant type: single nucleotide variant.
Coding change: c.283G>A on transcript NM_001626.6 (MANE Select); coding-DNA position 283, G replaced by A.
Protein change: p.Glu95Lys; replaces glutamic acid 95 with lysine.
Molecular consequence: missense variant.
Genome position (GRCh38, 1-based): chr19:40,255,162, C>T on the plus strand (G>A on the coding strand, the complement: AKT2 is on the minus strand). VCF-style: chr19-40255162-C-T. GRCh37 (hg19) VCF-style: chr19-40761069-C-T.
Other names: c.97G>A, p.Glu33Lys (NM_001243027.3, NM_001243028.3); c.283G>A, p.Glu95Lys (NM_001330511.1); short protein forms E95K, E33K.
Identifiers: ClinVar variation 2925323 (VCV002925323.3), dbSNP rs374073998, ClinGen allele CA9441938.